The following is an entry in ClinVar:

ClinVar aggregate classification (germline): Pathogenic (1 of 4 stars; one submission).

Submission:

GeneDx
Classification: Pathogenic. Last evaluated: 2024-08-02. Review status: criteria provided, single submitter. Criteria: GeneDx Variant Classification Process June 2021. Collection method: clinical testing. Allele origin: germline. Affected: yes.
Comment: Identified in an individual from a large cohort of patients with neurodevelopmental disorders, however additional clinical and segregation information was not provided (PMID: 33004838); Frameshift variant predicted to result in protein truncation or nonsense mediated decay in a gene for which loss of function is a known mechanism of disease; Not observed at significant frequency in large population cohorts (gnomAD); This variant is associated with the following publications: (PMID: 33004838)

NM_014491.4(FOXP2):c.1767_1768del (p.Gly590fs)

Gene: FOXP2 (forkhead box P2; plus strand). Cytogenetic location: 7q31.1.
Variant type: Deletion.
Coding change: c.1767_1768del on transcript NM_014491.4 (MANE Select); coding-DNA positions 1767 to 1768, 2 bases deleted (AG; older notation c.1767_1768delAG).
Protein change: p.Gly590fs; shifts the reading frame from glycine 590.
Molecular consequence: frameshift variant. On other transcripts: non-coding transcript variant (2).
Genome position (GRCh38, 1-based): chr7:114,662,184-114,662,185, AG deleted. VCF-style (leftmost placement, unchanged base first): chr7-114662183-CAG-C. GRCh37 (hg19) VCF-style: chr7-114302238-CAG-C.
Other names: c.1764_1765del, p.Gly589fs (NM_001172766.3); c.1842_1843del, p.Gly615fs (NM_148898.4); c.1818_1819del, p.Gly607fs (NM_148900.4); short protein forms G589fs, G590fs, G607fs, G615fs.
Identifiers: ClinVar variation 3602224 (VCV003602224.1).
Genomic context (GRCh38, chr7:114,662,183, plus strand): 5'-AAGGAGCAGTATGGACTGTGGATGAAGTAGAATACCAGAAGCGAAGGTCACAAAAGATAA[CAG>C]GGTATGTTTGTGATAGTTTTGTAATCCTGTATCCTGCATCCACCAGGAAAAGTAAATACT-3'